The following is an entry in ClinVar:

NM_015164.4(PLEKHM2):c.2466G>T (p.Gly822=)

Gene: PLEKHM2 (pleckstrin homology and RUN domain containing M2; plus strand). Cytogenetic location: 1p36.21.
Variant type: single nucleotide variant.
Coding change: c.2466G>T on transcript NM_015164.4 (MANE Select); coding-DNA position 2466, G replaced by T.
Protein change: p.Gly822=; no amino-acid change (glycine 822 retained).
Molecular consequence: synonymous variant.
Genome position (GRCh38, 1-based): chr1:15,731,889, G>T. VCF-style: chr1-15731889-G-T. GRCh37 (hg19) VCF-style: chr1-16058384-G-T.
Identifiers: ClinVar variation 1422907 (VCV001422907.8), dbSNP rs201370265, ClinGen allele CA18268344.

ClinVar aggregate classification (germline): Uncertain significance (1 of 4 stars; one submission).

gnomAD v4.1: 18 of 1,610,352 alleles (0.0011%); highest among the groups gnomAD compares: Admixed American, 0.0033%; no homozygotes.

Submission:

Labcorp Genetics (formerly Invitae), Labcorp
Classification: Uncertain significance. Last evaluated: 2024-07-22. Review status: criteria provided, single submitter. Criteria: Invitae Variant Classification Sherloc (09022015). Collection method: clinical testing. Allele origin: germline.
Comment: This sequence change affects codon 822 of the PLEKHM2 mRNA. It is a 'silent' change, meaning that it does not change the encoded amino acid sequence of the PLEKHM2 protein. It affects a nucleotide within the consensus splice site. This variant is present in population databases (rs201370265, gnomAD 0.006%). This variant has not been reported in the literature in individuals affected with PLEKHM2-related conditions. ClinVar contains an entry for this variant (Variation ID: 1422907). Algorithms developed to predict the effect of sequence changes on RNA splicing suggest that this variant is not likely to affect RNA splicing. In summary, the available evidence is currently insufficient to determine the role of this variant in disease. Therefore, it has been classified as a Variant of Uncertain Significance.